The following is an entry in ClinVar:

ClinVar aggregate classification (germline): Benign (1 of 4 stars; one submission).

Allele frequency attached by ClinVar (database versions not stated): 1000 Genomes Project 0.34625; 1000 Genomes Project 30x 0.34916; TOPMed 0.36196; gnomAD 0.36199 and 0.36913.
gnomAD v4.1: 54,838 of 151,494 alleles (36%); highest among the groups gnomAD compares: African/African-American, 53%; 10,767 homozygotes.

Submission:

GeneDx
Classification: Benign. Last evaluated: 2018-06-19. Review status: criteria provided, single submitter. Criteria: GeneDx Variant Classification (06012015). Collection method: clinical testing. Allele origin: germline. Affected: yes.
Comment: This variant is considered likely benign or benign based on one or more of the following criteria: it is a conservative change, it occurs at a poorly conserved position in the protein, it is predicted to be benign by multiple in silico algorithms, and/or has population frequency not consistent with disease.

NM_006420.3(ARFGEF2):c.4755+311T>A

Gene: ARFGEF2 (ARF guanine nucleotide exchange factor 2; plus strand). Cytogenetic location: 20q13.13.
Variant type: single nucleotide variant.
Coding change: c.4755+311T>A on transcript NM_006420.3 (MANE Select); 311 bases into the intron after coding-DNA position 4755, T replaced by A.
Molecular consequence: intron variant.
Genome position (GRCh38, 1-based): chr20:49,023,492, T>A. VCF-style: chr20-49023492-T-A. GRCh37 (hg19) VCF-style: chr20-47640029-T-A.
Identifiers: ClinVar variation 667996 (VCV000667996.1), dbSNP rs6019591, ClinGen allele CA15972318.